The following is an entry in ClinVar:

NM_001387283.1(SMARCA4):c.4266+1del

Gene: SMARCA4 (SWI/SNF related BAF chromatin remodeling complex subunit ATPase 4; plus strand). Cytogenetic location: 19p13.2.
Variant type: Deletion.
Coding change: c.4266+1del on transcript NM_001387283.1 (MANE Plus Clinical); the canonical splice donor site of the intron after coding-DNA position 4266, one base deleted (G; older notation c.4266+1delG).
Molecular consequence: splice donor variant. On other transcripts: intron variant (7).
Genome position (GRCh38, 1-based): chr19:11,039,554, G deleted; the last of 2 consecutive G bases (chr19:11,039,553-11,039,554); deleting either gives the same sequence. VCF-style (leftmost placement, unchanged base first): chr19-11039552-AG-A. GRCh37 (hg19) VCF-style: chr19-11150228-AG-A.
Other names: c.4171-1753del (NM_001128844.3, NM_003072.5); c.4266+1del (NM_001128849.3); c.4072-1753del (NM_001128847.4, NM_001374457.1, NM_001128848.2); c.4167+1del (NM_001411150.1); c.4072-1744del (NM_001128845.2, NM_001128846.2).
Identifiers: ClinVar variation 1001784 (VCV001001784.11), dbSNP rs2075460114, ClinGen allele CA2322734046.

ClinVar aggregate classification (germline): Uncertain significance. Review status: criteria provided, multiple submitters, no conflicts (2 of 4 stars). 2 submissions from 2 submitters: Uncertain significance (2). Last evaluated 2022-01-27.

Conditions:
Hereditary cancer-predisposing syndrome. Also called: Neoplastic Syndromes, Hereditary; Tumor predisposition; Hereditary Cancer Syndrome; Hereditary neoplastic syndrome. Identifiers: Orphanet 140162, MedGen C0027672, MeSH D009386, MONDO:0015356.
Rhabdoid tumor predisposition syndrome 2 (RTPS2). Identifiers: Orphanet 231108, Orphanet 69077, MedGen C2750074, MONDO:0013224, OMIM 613325.

Submissions (2):

Labcorp Genetics (formerly Invitae), Labcorp
Classification: Uncertain significance for Rhabdoid tumor predisposition syndrome 2. Last evaluated: 2022-01-27. Review status: criteria provided, single submitter. Criteria: Invitae Variant Classification Sherloc (09022015). Collection method: clinical testing. Allele origin: germline.
Comment: ClinVar contains an entry for this variant (Variation ID: 1001784). Algorithms developed to predict the effect of sequence changes on RNA splicing suggest that this variant may disrupt the consensus splice site. In summary, the available evidence is currently insufficient to determine the role of this variant in disease. Therefore, it has been classified as a Variant of Uncertain Significance. This variant has not been reported in the literature in individuals affected with SMARCA4-related conditions. This variant is not present in population databases (gnomAD no frequency). This sequence change affects a splice site in intron 30 of the SMARCA4 gene. Loss-of-function variants in SMARCA4 are known to be pathogenic (PMID: 24658001, 24658002). However, tissue-specific alternative splicing of SMARCA4 gene results in functional isoforms lacking in-frame exon 30 (also known as exon 28B, PMID: 18437052). For this reason the clinical significance of loss of function variants in exon 30 is currently uncertain.

Ambry Genetics
Classification: Uncertain significance for Hereditary cancer-predisposing syndrome. Last evaluated: 2022-01-20. Review status: criteria provided, single submitter. Criteria: Ambry Variant Classification Scheme 2023. Collection method: clinical testing. Allele origin: germline.
Comment: The c.4266+1delG intronic variant, located in intron 29 of the SMARCA4 gene, results from a deletion of one nucleotide within intron 29 of the SMARCA4 gene. This region of the SMARCA4 gene is excluded from other biologically relevant transcripts. This nucleotide position is highly conserved on limited sequence alignment. Since supporting evidence is limited at this time, the clinical significance of this alteration remains unclear.

Literature cited by the submitters: PubMed 24658001 (cited by Labcorp Genetics (formerly Invitae), Labcorp); PubMed 24658002 (cited by Labcorp Genetics (formerly Invitae), Labcorp).